The following is an entry in ClinVar:

ClinVar aggregate classification (germline): Uncertain significance (1 of 4 stars; one submission).

Submission:

Labcorp Genetics (formerly Invitae), Labcorp
Classification: Uncertain significance. Last evaluated: 2025-02-16. Review status: criteria provided, single submitter. Criteria: Invitae Variant Classification Sherloc (09022015). Collection method: clinical testing. Allele origin: germline.
Comment: This sequence change disrupts the translational stop signal of the ACTL6B mRNA. It is expected to extend the length of the ACTL6B protein by 17 additional amino acid residues. This variant is not present in population databases (gnomAD no frequency). This variant has not been reported in the literature in individuals affected with ACTL6B-related conditions. Experimental studies and prediction algorithms are not available or were not evaluated, and the functional significance of this variant is currently unknown. In summary, the available evidence is currently insufficient to determine the role of this variant in disease. Therefore, it has been classified as a Variant of Uncertain Significance.

NM_016188.5(ACTL6B):c.1279T>C (p.Ter427Arg)

Gene: ACTL6B (actin like 6B; minus strand). Cytogenetic location: 7q22.1.
Variant type: single nucleotide variant.
Coding change: c.1279T>C on transcript NM_016188.5 (MANE Select); coding-DNA position 1279, T replaced by C.
Protein change: p.Ter427Arg.
Molecular consequence: stop lost. On other transcripts: non-coding transcript variant (1).
Genome position (GRCh38, 1-based): chr7:100,643,248, A>G on the plus strand (T>C on the coding strand, the complement: ACTL6B is on the minus strand). VCF-style: chr7-100643248-A-G. GRCh37 (hg19) VCF-style: chr7-100240871-A-G.
Identifiers: ClinVar variation 4713238 (VCV004713238.1).